The following is an entry in ClinVar:

ClinVar aggregate classification (germline): Likely benign (1 of 4 stars; one submission).

gnomAD v4.1: 73 of 1,614,112 alleles (0.0045%); highest among the groups gnomAD compares: Middle Eastern, 0.066%; no homozygotes.

Submission:

CeGaT Center for Human Genetics Tuebingen
Classification: Likely benign. Last evaluated: 2025-02-01. Review status: criteria provided, single submitter. Criteria: CeGaT Center For Human Genetics Tuebingen Variant Classification Criteria Version 2. Collection method: clinical testing. Allele origin: germline. Affected: yes. Observed: 1 variant allele.
Comment: CTNND2: BP4, BP7

NM_001332.4(CTNND2):c.2658C>T (p.Ala886=)

Gene: CTNND2 (catenin delta 2; minus strand). Cytogenetic location: 5p15.2.
Variant type: single nucleotide variant.
Coding change: c.2658C>T on transcript NM_001332.4 (MANE Select); coding-DNA position 2658, C replaced by T.
Protein change: p.Ala886=; no amino-acid change (alanine 886 retained).
Molecular consequence: synonymous variant. On other transcripts: non-coding transcript variant (1).
Genome position (GRCh38, 1-based): chr5:11,082,826, G>A on the plus strand (C>T on the coding strand, the complement: CTNND2 is on the minus strand). VCF-style: chr5-11082826-G-A. GRCh37 (hg19) VCF-style: chr5-11082938-G-A.
Other names: c.2385C>T, p.Ala795= (NM_001288715.1); c.1647C>T, p.Ala549= (NM_001288716.1); c.1359C>T, p.Ala453= (NM_001288717.2); c.1722C>T, p.Ala574= (NM_001364128.2).
Identifiers: ClinVar variation 3770837 (VCV003770837.13).
Genomic context (GRCh38, chr5:11,082,826, plus strand): 5'-GTCATTGTCTATTCGGAGCAGCTCCACGAGGATGGGCAGGCCTTTCTCTTTTCGGACAGC[G>A]GCTCGGATATATACTGACCACTGCAAAAACAGGGAAGGCGAAGGGCGTTAGAAACAGGAA-3'
Protein context (NP_001323.1, residues 876-896): GSWKWSVYIR[Ala886=]AVRKEKGLPI